The following is an entry in ClinVar:

ClinVar aggregate classification (germline): Uncertain significance (1 of 4 stars; one submission).

Conditions:
Thrombophilia due to protein S deficiency, autosomal recessive (THPH6). Identifiers: Orphanet 743, MedGen C3281092, MONDO:0013791, OMIM 614514. Disease mechanism: loss of function.

Submission:

Labcorp Genetics (formerly Invitae), Labcorp
Classification: Uncertain significance for Thrombophilia due to protein S deficiency, autosomal recessive. Last evaluated: 2025-08-18. Review status: criteria provided, single submitter. Criteria: Invitae Variant Classification Sherloc (09022015). Collection method: clinical testing. Allele origin: germline.
Comment: This sequence change replaces isoleucine, which is neutral and non-polar, with methionine, which is neutral and non-polar, at codon 59 of the PROS1 protein (p.Ile59Met). This variant is not present in population databases (gnomAD no frequency). This variant has not been reported in the literature in individuals affected with PROS1-related conditions. Invitae Evidence Modeling of protein sequence and biophysical properties (such as structural, functional, and spatial information, amino acid conservation, physicochemical variation, residue mobility, and thermodynamic stability) has been performed for this missense variant. However, the output from this modeling did not meet the statistical confidence thresholds required to predict the impact of this variant on PROS1 protein function. In summary, the available evidence is currently insufficient to determine the role of this variant in disease. Therefore, it has been classified as a Variant of Uncertain Significance.

NM_000313.4(PROS1):c.177C>G (p.Ile59Met)

Gene: PROS1 (protein S; minus strand). Cytogenetic location: 3q11.1.
Variant type: single nucleotide variant.
Coding change: c.177C>G on transcript NM_000313.4 (MANE Select); coding-DNA position 177, C replaced by G.
Protein change: p.Ile59Met; replaces isoleucine 59 with methionine.
Molecular consequence: missense variant.
Genome position (GRCh38, 1-based): chr3:93,927,307, G>C on the plus strand (C>G on the coding strand, the complement: PROS1 is on the minus strand). VCF-style: chr3-93927307-G-C. GRCh37 (hg19) VCF-style: chr3-93646151-G-C.
Other names: c.273C>G, p.Ile91Met (NM_001314077.2); short protein forms I59M, I91M.
Identifiers: ClinVar variation 4776398 (VCV004776398.1).